The following is an entry in ClinVar:

ClinVar aggregate classification (germline): Uncertain significance (1 of 4 stars; one submission).

Submission:

Ambry Genetics
Classification: Uncertain significance. Last evaluated: 2021-12-10. Review status: criteria provided, single submitter. Criteria: Ambry Variant Classification Scheme 2023. Collection method: clinical testing. Allele origin: germline.
Comment: The p.I2051S variant (also known as c.6152T>G), located in coding exon 19 of the POLQ gene, results from a T to G substitution at nucleotide position 6152. The isoleucine at codon 2051 is replaced by serine, an amino acid with dissimilar properties. This amino acid position is conserved. In addition, the in silico prediction for this alteration is inconclusive. Since supporting evidence is limited at this time, the clinical significance of this alteration remains unclear.

NM_199420.4(POLQ):c.6152T>G (p.Ile2051Ser)

Gene: POLQ (DNA polymerase theta; minus strand). Cytogenetic location: 3q13.33.
Variant type: single nucleotide variant.
Coding change: c.6152T>G on transcript NM_199420.4 (MANE Select); coding-DNA position 6152, T replaced by G.
Protein change: p.Ile2051Ser; replaces isoleucine 2051 with serine.
Molecular consequence: missense variant.
Genome position (GRCh38, 1-based): chr3:121,481,631, A>C on the plus strand (T>G on the coding strand, the complement: POLQ is on the minus strand). VCF-style: chr3-121481631-A-C. GRCh37 (hg19) VCF-style: chr3-121200478-A-C.
Other names: short protein forms I2051S.
Identifiers: ClinVar variation 1751891 (VCV001751891.2), dbSNP rs2546780296, ClinGen allele CA354087718.